The following is an entry in ClinVar:

NC_000006.11:g.(?_142623467)_(144508628_?)del

Genes: ADAT2 (adenosine deaminase tRNA specific 2; minus strand), ADGRG6 (adhesion G protein-coupled receptor G6; plus strand), AIG1 (androgen induced 1; plus strand), FUCA2 (alpha-L-fucosidase 2; minus strand), HIVEP2 (HIVEP zinc finger 2; minus strand) and 8 more. Cytogenetic location: 6q24.1-24.2.
Variant type: Deletion.
Identifiers: ClinVar variation 2424710 (VCV002424710.4).

ClinVar aggregate classification (germline): Pathogenic (1 of 4 stars; one submission).

Submission:

Labcorp Genetics (formerly Invitae), Labcorp
Classification: Pathogenic. Last evaluated: 2022-05-03. Review status: criteria provided, single submitter. Criteria: Invitae Variant Classification Sherloc (09022015). Collection method: clinical testing. Allele origin: germline.
Comment: For these reasons, this variant has been classified as Pathogenic. This variant has not been reported in the literature in individuals affected with PEX3-related conditions. A gross deletion of the genomic region encompassing the full coding sequence of the PEX3 gene has been identified. Loss-of-function variants in PEX3 are known to be pathogenic (PMID: 10942428, 21031596). The boundaries of this event are unknown as they extend beyond the assayed region for this gene and therefore may encompass additional genes.

Literature cited by the submitters: PubMed 10942428; PubMed 21031596.